The following is an entry in ClinVar:

NM_177438.3(DICER1):c.5527+6G>A

Gene: DICER1 (dicer 1, ribonuclease III; minus strand). Cytogenetic location: 14q32.13.
Variant type: single nucleotide variant.
Coding change: c.5527+6G>A on transcript NM_177438.3 (MANE Select); 6 bases into the intron after coding-DNA position 5527, G replaced by A.
Molecular consequence: intron variant.
Genome position (GRCh38, 1-based): chr14:95,091,197, C>T on the plus strand (G>A on the coding strand, the complement: DICER1 is on the minus strand). VCF-style: chr14-95091197-C-T. GRCh37 (hg19) VCF-style: chr14-95557534-C-T.
Other names: c.5527+6G>A (NM_001291628.2, NM_030621.4, NM_001395677.1 and 7 more transcripts); c.5122+6G>A (NM_001395690.1, NM_001395687.1, NM_001395689.1 and 1 more transcripts); c.5245+6G>A (NM_001395686.1); c.4960+6G>A (NM_001395691.1); c.3844+6G>A (NM_001395697.1); c.5365-88G>A (NM_001195573.1).
Identifiers: ClinVar variation 2754955 (VCV002754955.3), dbSNP rs1889785983, ClinGen allele CA2697554147.
Genomic context (GRCh38, chr14:95,091,197, plus strand): 5'-AATAATATCTCTGAAGTTGTTTTTAATTTTGTGGGTTTTTTTCTTTCTAAAGGGAGCCAA[C>T]AATACCTATTAGTGGCCGCATCATGGGATAGTACACCTGCCAGACTGTCTCCAGTGACAT-3'

ClinVar aggregate classification (germline): Uncertain significance (1 of 4 stars; one submission).

Conditions:
DICER1-related tumor predisposition. Also called: DICER1-related pleuropulmonary blastoma cancer predisposition syndrome; DICER1 syndrome. Identifiers: Orphanet 284343, MedGen C3839822, MONDO:0100216.

Submission:

Labcorp Genetics (formerly Invitae), Labcorp
Classification: Uncertain significance for DICER1-related tumor predisposition. Last evaluated: 2023-08-24. Review status: criteria provided, single submitter. Criteria: Invitae Variant Classification Sherloc (09022015). Collection method: clinical testing. Allele origin: germline.
Comment: This sequence change falls in intron 25 of the DICER1 gene. It does not directly change the encoded amino acid sequence of the DICER1 protein. It affects a nucleotide within the consensus splice site. This variant is not present in population databases (gnomAD no frequency). This variant has not been reported in the literature in individuals affected with DICER1-related conditions. Variants that disrupt the consensus splice site are a relatively common cause of aberrant splicing (PMID: 17576681, 9536098). Algorithms developed to predict the effect of sequence changes on RNA splicing suggest that this variant is not likely to affect RNA splicing. In summary, the available evidence is currently insufficient to determine the role of this variant in disease. Therefore, it has been classified as a Variant of Uncertain Significance.

Literature cited by the submitters: PubMed 17576681; PubMed 9536098.